The following is an entry in ClinVar:

ClinVar aggregate classification (germline): Likely benign (1 of 4 stars; one submission).

Submission:

CeGaT Center for Human Genetics Tuebingen
Classification: Likely benign. Last evaluated: 2025-06-01. Review status: criteria provided, single submitter. Criteria: CeGaT Center For Human Genetics Tuebingen Variant Classification Criteria Version 2. Collection method: clinical testing. Allele origin: germline. Affected: yes. Observed: 1 variant allele.
Comment: PLCD4: PM2:Supporting, BP4, BP7

NM_032726.4(PLCD4):c.1536G>A (p.Lys512=)

Genes: PLCD4 (phospholipase C delta 4; plus strand), ZNF142 (zinc finger protein 142; minus strand). Cytogenetic location: 2q35.
Variant type: single nucleotide variant.
Coding change: c.1536G>A on transcript NM_032726.4 (MANE Select); coding-DNA position 1536, G replaced by A.
Protein change: p.Lys512=; no amino-acid change (lysine 512 retained).
Molecular consequence: synonymous variant. On other transcripts: 3 prime UTR variant (5).
Genome position (GRCh38, 1-based): chr2:218,633,691, G>A. VCF-style: chr2-218633691-G-A. GRCh37 (hg19) VCF-style: chr2-219498414-G-A.
Other names: c.*4648C>T (NM_001366290.3, NM_001379659.1, NM_001379660.1 and 2 more transcripts).
Identifiers: ClinVar variation 4085183 (VCV004085183.8).